The following is an entry in ClinVar:

ClinVar aggregate classification (germline): Uncertain significance (1 of 4 stars; one submission).

Conditions:
Congenital hypogonadotropic hypogonadism. Identifiers: Orphanet 174590, MedGen C3899503, MONDO:0015770.

gnomAD v4.1: 1 of 1,613,922 alleles (0.000062%); highest among the groups gnomAD compares: Non-Finnish European, 0.000085%; no homozygotes.

Submission:

Reproductive Endocrine Unit, Massachusetts General Hospital
Classification: Uncertain significance for Congenital hypogonadotropic hypogonadism. Review status: criteria provided, single submitter. Criteria: ACMG Guidelines, 2015. Collection method: research. Allele origin: unknown.
Comment: Ser190Asn meets the PM1, PM2, BP4 ACMG criteria. In summary, the Ser190Asn is classified as uncertain significance based upon the information we were able to obtain

NM_004098.4(EMX2):c.569G>A (p.Ser190Asn)

Gene: EMX2 (empty spiracles homeobox 2; plus strand). Cytogenetic location: 10q26.11.
Variant type: single nucleotide variant.
Coding change: c.569G>A on transcript NM_004098.4 (MANE Select); coding-DNA position 569, G replaced by A.
Protein change: p.Ser190Asn; replaces serine 190 with asparagine.
Molecular consequence: missense variant. On other transcripts: intron variant (1).
Genome position (GRCh38, 1-based): chr10:117,545,794, G>A. VCF-style: chr10-117545794-G-A. GRCh37 (hg19) VCF-style: chr10-119305305-G-A.
Other names: c.406+2121G>A (NM_001165924.2); short protein forms S190N.
Identifiers: ClinVar variation 3896708 (VCV003896708.1).